The following is an entry in ClinVar:

NM_015909.4(NBAS):c.4328C>G (p.Thr1443Ser)

Gene: NBAS (NBAS subunit of NRZ tethering complex; minus strand). Cytogenetic location: 2p24.3.
Variant type: single nucleotide variant.
Coding change: c.4328C>G on transcript NM_015909.4 (MANE Select); coding-DNA position 4328, C replaced by G.
Protein change: p.Thr1443Ser; replaces threonine 1443 with serine.
Molecular consequence: missense variant. On other transcripts: non-coding transcript variant (1).
Genome position (GRCh38, 1-based): chr2:15,330,617, G>C on the plus strand (C>G on the coding strand, the complement: NBAS is on the minus strand). VCF-style: chr2-15330617-G-C. GRCh37 (hg19) VCF-style: chr2-15470741-G-C.
Other names: short protein forms T1443S.
Identifiers: ClinVar variation 2091449 (VCV002091449.4), dbSNP rs990084932, ClinGen allele CA345881257.

ClinVar aggregate classification (germline): Uncertain significance (1 of 4 stars; one submission).

Submission:

Labcorp Genetics (formerly Invitae), Labcorp
Classification: Uncertain significance. Last evaluated: 2023-12-07. Review status: criteria provided, single submitter. Criteria: Invitae Variant Classification Sherloc (09022015). Collection method: clinical testing. Allele origin: germline.
Comment: This sequence change replaces threonine, which is neutral and polar, with serine, which is neutral and polar, at codon 1443 of the NBAS protein (p.Thr1443Ser). This variant is not present in population databases (gnomAD no frequency). This variant has not been reported in the literature in individuals affected with NBAS-related conditions. ClinVar contains an entry for this variant (Variation ID: 2091449). Advanced modeling of protein sequence and biophysical properties (such as structural, functional, and spatial information, amino acid conservation, physicochemical variation, residue mobility, and thermodynamic stability) performed at Invitae indicates that this missense variant is not expected to disrupt NBAS protein function with a negative predictive value of 95%. In summary, the available evidence is currently insufficient to determine the role of this variant in disease. Therefore, it has been classified as a Variant of Uncertain Significance.